The following is an entry in ClinVar:

ClinVar aggregate classification (germline): Uncertain significance (1 of 4 stars; one submission).

Allele frequency attached by ClinVar (database versions not stated): gnomAD exomes below 0.00001; ExAC 0.00001; gnomAD 0.00001; 1000 Genomes Project 30x 0.00016; 1000 Genomes Project 0.00020.
gnomAD v4.1: 1 of 1,613,874 alleles (0.000062%); highest among the groups gnomAD compares: African/African-American, 0.0013%; no homozygotes.

Submission:

Labcorp Genetics (formerly Invitae), Labcorp
Classification: Uncertain significance. Last evaluated: 2021-04-16. Review status: criteria provided, single submitter. Criteria: Invitae Variant Classification Sherloc (09022015). Collection method: clinical testing. Allele origin: germline.
Comment: In summary, the available evidence is currently insufficient to determine the role of this variant in disease. Therefore, it has been classified as a Variant of Uncertain Significance. Algorithms developed to predict the effect of missense changes on protein structure and function output the following: SIFT: "Tolerated"; PolyPhen-2: "Possibly Damaging"; Align-GVGD: "Class C0". The serine amino acid residue is found in multiple mammalian species, suggesting that this missense change does not adversely affect protein function. These predictions have not been confirmed by published functional studies and their clinical significance is uncertain. This variant has not been reported in the literature in individuals with AP3B2-related conditions. This variant is present in population databases (rs201703765, ExAC 0.01%). This sequence change replaces proline with serine at codon 801 of the AP3B2 protein (p.Pro801Ser). The proline residue is moderately conserved and there is a moderate physicochemical difference between proline and serine.

NM_001278512.2(AP3B2):c.2458C>T (p.Pro820Ser)

Genes: AP3B2 (adaptor related protein complex 3 subunit beta 2; minus strand), CPEB1-AS1 (CPEB1 antisense RNA 1; plus strand). Cytogenetic location: 15q25.2.
Variant type: single nucleotide variant.
Coding change: c.2458C>T on transcript NM_001278512.2 (MANE Select); coding-DNA position 2458, C replaced by T.
Protein change: p.Pro820Ser; replaces proline 820 with serine.
Molecular consequence: missense variant.
Genome position (GRCh38, 1-based): chr15:82,663,599, G>A on the plus strand (C>T on the coding strand, the complement: AP3B2 is on the minus strand). VCF-style: chr15-82663599-G-A. GRCh37 (hg19) VCF-style: chr15-83332351-G-A.
Other names: c.2305C>T, p.Pro769Ser (NM_001278511.2); c.2401C>T, p.Pro801Ser (NM_004644.5); short protein forms P801S, P769S, P820S.
Identifiers: ClinVar variation 1461301 (VCV001461301.8), dbSNP rs201703765, ClinGen allele CA7699907.
Genomic context (GRCh38, chr15:82,663,599, plus strand): 5'-ACTTTTACCACCCAAACTCACAATCCTCTAGATCAAGCAGGGAGATCTCCTTGGTTGCAG[G>A]AGCACTTTTGCTGCTGGGAGGCTGAAAGAGAAAAATGGGATGTGGGTGTGGGGAAGGGGA-3'
Protein context (NP_001265441.1, residues 810-830): RKTPPSSKSA[Pro820Ser]ATKEISLLDL